The following is an entry in ClinVar:

ClinVar aggregate classification (germline): Uncertain significance (1 of 4 stars; one submission).

Conditions:
Cardiovascular phenotype. Identifiers: MedGen CN230736.

Submission:

Ambry Genetics
Classification: Uncertain significance for Cardiovascular phenotype. Last evaluated: 2026-07-01. Review status: criteria provided, single submitter. Criteria: Ambry Variant Classification Scheme 2023. Collection method: clinical testing. Allele origin: germline.
Comment: The p.L4309V variant (also known as c.12925C>G), located in coding exon 29 of the APOB gene, results from a C to G substitution at nucleotide position 12925. The leucine at codon 4309 is replaced by valine, an amino acid with highly similar properties. This amino acid position is conserved. In addition, this alteration is predicted to be tolerated by in silico analysis. Based on the available evidence, the clinical significance of this variant remains unclear.

NM_000384.3(APOB):c.12925C>G (p.Leu4309Val)

Gene: APOB (apolipoprotein B; minus strand). Cytogenetic location: 2p24.1.
Variant type: single nucleotide variant.
Coding change: c.12925C>G on transcript NM_000384.3 (MANE Select); coding-DNA position 12925, C replaced by G.
Protein change: p.Leu4309Val; replaces leucine 4309 with valine.
Molecular consequence: missense variant.
Genome position (GRCh38, 1-based): chr2:21,002,497, G>C on the plus strand (C>G on the coding strand, the complement: APOB is on the minus strand). VCF-style: chr2-21002497-G-C. GRCh37 (hg19) VCF-style: chr2-21225369-G-C.
Other names: short protein forms L4309V.
Identifiers: ClinVar variation 5026927 (VCV005026927.1).